The following is an entry in ClinVar:

NM_033305.3(VPS13A):c.4165C>G (p.Leu1389Val)

Gene: VPS13A (vacuolar protein sorting 13 homolog A; plus strand). Cytogenetic location: 9q21.2.
Variant type: single nucleotide variant.
Coding change: c.4165C>G on transcript NM_033305.3 (MANE Select); coding-DNA position 4165, C replaced by G.
Protein change: p.Leu1389Val; replaces leucine 1389 with valine.
Molecular consequence: missense variant.
Genome position (GRCh38, 1-based): chr9:77,314,042, C>G. VCF-style: chr9-77314042-C-G. GRCh37 (hg19) VCF-style: chr9-79928958-C-G.
Other names: c.4048C>G, p.Leu1350Val (NM_001018037.2); c.4165C>G, p.Leu1389Val (NM_001018038.3, NM_015186.4); short protein forms L1350V, L1389V.
Identifiers: ClinVar variation 2684105 (VCV002684105.1), dbSNP rs369933972, ClinGen allele CA5092457.

ClinVar aggregate classification (germline): Uncertain significance (1 of 4 stars; one submission).

Allele frequency attached by ClinVar (database versions not stated): TOPMed 0.00001; ExAC 0.00002; ESP Exome Variant Server 0.00008.
gnomAD v4.1: 38 of 1,613,334 alleles (0.0024%); highest among the groups gnomAD compares: Non-Finnish European, 0.0031%; no homozygotes.

Submission:

Athena Diagnostics
Classification: Uncertain significance. Last evaluated: 2022-12-25. Review status: criteria provided, single submitter. Criteria: Athena Diagnostics Criteria. Collection method: clinical testing. Allele origin: unknown.
Comment: Available data are insufficient to determine the clinical significance of the variant at this time. The frequency of this variant in the general population is uninformative in assessment of its pathogenicity. Computational tools predict that this variant is not damaging.